The following is an entry in ClinVar:

ClinVar aggregate classification (germline): Uncertain significance (1 of 4 stars; one submission).

Submission:

Labcorp Genetics (formerly Invitae), Labcorp
Classification: Uncertain significance. Last evaluated: 2025-12-03. Review status: criteria provided, single submitter. Criteria: Invitae Variant Classification Sherloc (09022015). Collection method: clinical testing. Allele origin: germline.
Comment: This variant, c.3551_3553del, results in the deletion of 1 amino acid(s) of the MACF1 protein (p.Glu1184del), but otherwise preserves the integrity of the reading frame. This variant is present in population databases (rs764147587, gnomAD 0.02%). This variant has been observed in individual(s) with a neurodevelopmental disorder (PMID: 40925378). Experimental studies and prediction algorithms are not available or were not evaluated, and the functional significance of this variant is currently unknown. In summary, the available evidence is currently insufficient to determine the role of this variant in disease. Therefore, it has been classified as a Variant of Uncertain Significance.

Literature cited by the submitters: PubMed 40925378.

NM_001394062.1(MACF1):c.3530AAG[2] (p.Glu1179del)

Gene: MACF1 (microtubule actin crosslinking factor 1; plus strand). Cytogenetic location: 1p34.3.
Variant type: Microsatellite.
Coding change: c.3530AAG[2] on transcript NM_001394062.1 (MANE Select); two copies in a row of the 3-base unit AAG starting at c.3530; the reference has three copies in a row; one copy, 3 bases deleted.
Protein change: p.Glu1179del; deletes glutamic acid 1179.
Molecular consequence: inframe deletion.
Genome position (GRCh38, 1-based): chr1:39,316,477-39,316,479, AAG deleted; deleting any 3 consecutive bases within chr1:39,316,471-39,316,479 gives the same sequence; the position shown is the placement nearest the transcript's 3' end. VCF-style (leftmost placement, unchanged base first): chr1-39316470-CAAG-C. GRCh37 (hg19) VCF-style: chr1-39782142-CAAG-C.
Other names: c.3545AAG[2], p.Glu1184del (NM_012090.5); short protein forms E1179del, E1184del.
Identifiers: ClinVar variation 2878456 (VCV002878456.3), dbSNP rs764147587, ClinGen allele CA779997.